The following is an entry in ClinVar:

NM_001379286.1(ZNF423):c.2777G>T (p.Gly926Val)

Gene: ZNF423 (zinc finger protein 423; minus strand). Cytogenetic location: 16q12.1.
Variant type: single nucleotide variant.
Coding change: c.2777G>T on transcript NM_001379286.1 (MANE Select); coding-DNA position 2777, G replaced by T.
Protein change: p.Gly926Val; replaces glycine 926 with valine.
Molecular consequence: missense variant.
Genome position (GRCh38, 1-based): chr16:49,636,399, C>A on the plus strand (G>T on the coding strand, the complement: ZNF423 is on the minus strand). VCF-style: chr16-49636399-C-A. GRCh37 (hg19) VCF-style: chr16-49670310-C-A.
Other names: c.2573G>T, p.Gly858Val (NM_001271620.2); c.2402G>T, p.Gly801Val (NM_001330533.2); c.2753G>T, p.Gly918Val (NM_015069.5); short protein forms G858V, G801V, G918V, G926V.
Identifiers: ClinVar variation 1038485 (VCV001038485.8), dbSNP rs1972705896, ClinGen allele CA395841521.

ClinVar aggregate classification (germline): Uncertain significance (1 of 4 stars; one submission).

Conditions:
Nephronophthisis 14 (NPHP14). Identifiers: Orphanet 2318, MedGen C3539071, MONDO:0013916, OMIM 614844.

Submission:

Labcorp Genetics (formerly Invitae), Labcorp
Classification: Uncertain significance for Nephronophthisis 14. Last evaluated: 2020-07-30. Review status: criteria provided, single submitter. Criteria: Invitae Variant Classification Sherloc (09022015). Collection method: clinical testing. Allele origin: germline.
Comment: This sequence change replaces glycine with valine at codon 918 of the ZNF423 protein (p.Gly918Val). The glycine residue is moderately conserved and there is a moderate physicochemical difference between glycine and valine. This variant is not present in population databases (ExAC no frequency). This variant has not been reported in the literature in individuals with ZNF423-related conditions. Algorithms developed to predict the effect of missense changes on protein structure and function (SIFT, PolyPhen-2, Align-GVGD) all suggest that this variant is likely to be tolerated, but these predictions have not been confirmed by published functional studies and their clinical significance is uncertain. In summary, the available evidence is currently insufficient to determine the role of this variant in disease. Therefore, it has been classified as a Variant of Uncertain Significance.